The following is an entry in ClinVar:

NM_007192.4(SUPT16H):c.1483G>A (p.Glu495Lys)

Gene: SUPT16H (SPT16 homolog, facilitates chromatin remodeling subunit; minus strand). Cytogenetic location: 14q11.2.
Variant type: single nucleotide variant.
Coding change: c.1483G>A on transcript NM_007192.4 (MANE Select); coding-DNA position 1483, G replaced by A.
Protein change: p.Glu495Lys; replaces glutamic acid 495 with lysine.
Molecular consequence: missense variant.
Genome position (GRCh38, 1-based): chr14:21,363,062, C>T on the plus strand (G>A on the coding strand, the complement: SUPT16H is on the minus strand). VCF-style: chr14-21363062-C-T. GRCh37 (hg19) VCF-style: chr14-21831221-C-T.
Other names: short protein forms E495K.
Identifiers: ClinVar variation 4538969 (VCV004538969.2).

ClinVar aggregate classification (germline): Uncertain significance (1 of 4 stars; one submission).

Submission:

GeneDx
Classification: Uncertain significance. Last evaluated: 2026-08-18. Review status: criteria provided, single submitter. Criteria: GeneDx Variant Classification Process June 2021. Collection method: clinical testing. Allele origin: germline.
Comment: Not observed at significant frequency in large population cohorts (gnomAD); In silico analysis suggests that this missense variant does not alter protein structure/function; Has not been previously published as pathogenic or benign to our knowledge